The following is an entry in ClinVar:

ClinVar aggregate classification (germline): Uncertain significance (0 of 4 stars; one submission).

Allele frequency attached by ClinVar (database versions not stated): ExAC 0.00001; gnomAD exomes 0.00001; ESP Exome Variant Server 0.00008; gnomAD 0.00009 and 0.00011; TOPMed 0.00013.
gnomAD v4.1: 32 of 1,613,368 alleles (0.002%); highest among the groups gnomAD compares: African/African-American, 0.036%; no homozygotes.

Submission:

Department of Pathology and Laboratory Medicine, Sinai Health System
Classification: Uncertain significance. Review status: no assertion criteria provided. Collection method: clinical testing. Allele origin: unknown. Affected: yes. Study: The Canadian Open Genetics Repository (COGR).
Comment: The PTPN13 p.V802I variant was not identified in the literature nor was it identified in ClinVar. The variant was identified in dbSNP (ID: rs376444587) and in control databases in 4 of 279632 chromosomes at a frequency of 0.00001430, and was observed at the highest frequency in the African population in 4 of 24160 chromosomes (freq: 0.0001656) (Genome Aggregation Database March 6, 2019, v2.1.1). The p.V802 residue is conserved in mammals and computational analyses (MUT Assesor, PolyPhen-2, SIFT, MutationTaster, Revel, FATHMM, MetaLR, DANN) provide inconsistent predictions regarding the impact to the protein; this information is not very predictive of pathogenicity. The variant occurs outside of the splicing consensus sequence and in silico or computational prediction software programs (Splice AI exome, Splice AI Genome) predict a deleterious effect on splicing, however this information is not very predictive pathogenicity. In summary, based on the above information the clinical significance of this variant cannot be determined with certainty at this time. This variant is classified as a variant of uncertain significance.

NM_080683.3(PTPN13):c.2404G>A (p.Val802Ile)

Gene: PTPN13 (protein tyrosine phosphatase non-receptor type 13; plus strand). Cytogenetic location: 4q21.3.
Variant type: single nucleotide variant.
Coding change: c.2404G>A on transcript NM_080683.3 (MANE Select); coding-DNA position 2404, G replaced by A.
Protein change: p.Val802Ile; replaces valine 802 with isoleucine.
Molecular consequence: missense variant.
Genome position (GRCh38, 1-based): chr4:86,741,733, G>A. VCF-style: chr4-86741733-G-A. GRCh37 (hg19) VCF-style: chr4-87662886-G-A.
Other names: c.2404G>A, p.Val802Ile (NM_006264.3, NM_080684.3, NM_080685.3); short protein forms V802I.
Identifiers: ClinVar variation 1050294 (VCV001050294.1), dbSNP rs376444587, ClinGen allele CA2995962.